The following is an entry in ClinVar:

ClinVar aggregate classification (germline): Uncertain significance (1 of 4 stars; one submission).

Conditions:
Ullrich congenital muscular dystrophy 2 (UCMD2). Identifiers: Orphanet 75840, MedGen C4225314, MONDO:0014654, OMIM 616470.
Bethlem myopathy 2 (BTHLM2). Identifiers: Orphanet 536516, Orphanet 610, MedGen C4225313, MONDO:0034022, OMIM 616471.

Submission:

Labcorp Genetics (formerly Invitae), Labcorp
Classification: Uncertain significance for Bethlem myopathy 2; Ullrich congenital muscular dystrophy 2. Last evaluated: 2025-04-17. Review status: criteria provided, single submitter. Criteria: Invitae Variant Classification Sherloc (09022015). Collection method: clinical testing. Allele origin: germline.
Comment: This sequence change replaces proline, which is neutral and non-polar, with histidine, which is basic and polar, at codon 3037 of the COL12A1 protein (p.Pro3037His). This variant is not present in population databases (gnomAD no frequency). This variant has not been reported in the literature in individuals affected with COL12A1-related conditions. An algorithm developed to predict the effect of missense changes on protein structure and function (PolyPhen-2) suggests that this variant is likely to be disruptive. In summary, the available evidence is currently insufficient to determine the role of this variant in disease. Therefore, it has been classified as a Variant of Uncertain Significance.

NM_004370.6(COL12A1):c.9110C>A (p.Pro3037His)

Gene: COL12A1 (collagen type XII alpha 1 chain; minus strand). Cytogenetic location: 6q13.
Variant type: single nucleotide variant.
Coding change: c.9110C>A on transcript NM_004370.6 (MANE Select); coding-DNA position 9110, C replaced by A.
Protein change: p.Pro3037His; replaces proline 3037 with histidine.
Molecular consequence: missense variant.
Genome position (GRCh38, 1-based): chr6:75,087,648, G>T on the plus strand (C>A on the coding strand, the complement: COL12A1 is on the minus strand). VCF-style: chr6-75087648-G-T. GRCh37 (hg19) VCF-style: chr6-75797364-G-T.
Other names: c.9110C>A, p.Pro3037His (NM_001424113.1); c.9089C>A, p.Pro3030His (NM_001424114.1); c.8837C>A, p.Pro2946His (NM_001424115.1); c.5618C>A, p.Pro1873His (NM_001424116.1, NM_080645.3); short protein forms P1873H, P2946H, P3030H, P3037H.
Identifiers: ClinVar variation 4784747 (VCV004784747.1).